The following is an entry in ClinVar:

NM_003356.4(UCP3):c.775T>C (p.Cys259Arg)

Gene: UCP3 (uncoupling protein 3; minus strand). Cytogenetic location: 11q13.4.
Variant type: single nucleotide variant.
Coding change: c.775T>C on transcript NM_003356.4 (MANE Select); coding-DNA position 775, T replaced by C.
Protein change: p.Cys259Arg; replaces cysteine 259 with arginine.
Molecular consequence: missense variant.
Genome position (GRCh38, 1-based): chr11:74,003,876, A>G on the plus strand (T>C on the coding strand, the complement: UCP3 is on the minus strand). VCF-style: chr11-74003876-A-G. GRCh37 (hg19) VCF-style: chr11-73714921-A-G.
Other names: c.775T>C, p.Cys259Arg (NM_022803.3); short protein forms C259R.
Identifiers: ClinVar variation 3344670 (VCV003344670.1).
Genomic context (GRCh38, chr11:74,003,876, plus strand): 5'-AGGAGGCTCACCCCTTGTAGAAGGCTGTGGGGCCCTCCTGGGCCACCATCTTTATCATAC[A>G]GTCGAGGGGGCTGAAGTACTGGCCTGGAGGTGAGTTCATATACCGGGTCTTCACCACGTC-3'
Protein context (NP_003347.1, residues 249-269): PPGQYFSPLD[Cys259Arg]MIKMVAQEGP

ClinVar aggregate classification (germline): Uncertain significance (0 of 4 stars; one submission).

Conditions:
UCP3-related disorder. Also called: UCP3-related condition.

Submission:

PreventionGenetics, part of Exact Sciences
Classification: Uncertain significance for UCP3-related condition. Last evaluated: 2024-05-07. Review status: no assertion criteria provided. Collection method: clinical testing. Allele origin: germline.
Comment: The UCP3 c.775T>C variant is predicted to result in the amino acid substitution p.Cys259Arg. To our knowledge, this variant has not been reported in the literature or in a large population database, indicating this variant is rare. At this time, the clinical significance of this variant is uncertain due to the absence of conclusive functional and genetic evidence.